The following is an entry in ClinVar:

ClinVar aggregate classification (germline): Uncertain significance (1 of 4 stars; one submission).

Conditions:
Epidermolysis bullosa simplex 5B, with muscular dystrophy (EBS5B). Also called: EPIDERMOLYSIS BULLOSA SIMPLEX AND LIMB-GIRDLE MUSCULAR DYSTROPHY; Epidermolysis bullosa simplex with muscular dystrophy. Identifiers: Orphanet 257, MedGen C2931072, MONDO:0009181, OMIM 226670.
Epidermolysis bullosa simplex, Ogna type (EBS5A). Also called: Pidermolysis bullosa simplex 5A, Ogna type; EPIDERMOLYSIS BULLOSA SIMPLEX 5A, OGNA TYPE. Identifiers: Orphanet 79401, MedGen C0432317, MONDO:0007555, OMIM 131950.
Epidermolysis bullosa simplex with nail dystrophy (EBS5D). Identifiers: MedGen C4225309, MONDO:0014661, OMIM 616487.
Autosomal recessive limb-girdle muscular dystrophy type 2Q (LGMDR17). Also called: MUSCULAR DYSTROPHY, LIMB-GIRDLE, AUTOSOMAL RECESSIVE 17. Identifiers: Orphanet 254361, MedGen C3150989, MONDO:0013390, OMIM 613723.
Epidermolysis bullosa simplex 5C, with pyloric atresia (EBS5C). Also called: PLEC1-Related Epidermolysis Bullosa with Pyloric Atresia; PLEC-Related Epidermolysis Bullosa with Pyloric Atresia; Epidermolysis bullosa simplex with pyloric atresia. Identifiers: Orphanet 158684, MedGen C2677349, MONDO:0012807, OMIM 612138.

Submission:

Labcorp Genetics (formerly Invitae), Labcorp
Classification: Uncertain significance for Autosomal recessive limb-girdle muscular dystrophy type 2Q; Epidermolysis bullosa simplex, Ogna type; Epidermolysis bullosa simplex with nail dystrophy; Epidermolysis bullosa simplex 5C, with pyloric atresia; Epidermolysis bullosa simplex 5B, with muscular dystrophy. Last evaluated: 2021-07-17. Review status: criteria provided, single submitter. Criteria: Invitae Variant Classification Sherloc (09022015). Collection method: clinical testing. Allele origin: germline.
Comment: This sequence change replaces proline with serine at codon 4434 of the PLEC protein (p.Pro4434Ser). The proline residue is moderately conserved and there is a moderate physicochemical difference between proline and serine. In summary, the available evidence is currently insufficient to determine the role of this variant in disease. Therefore, it has been classified as a Variant of Uncertain Significance. Experimental studies and prediction algorithms are not available or were not evaluated, and the functional significance of this variant is currently unknown. This variant has not been reported in the literature in individuals affected with PLEC-related conditions. The frequency data for this variant in the population databases is not available, as this variant may be reported as separate entries in the ExAC database.

NM_201384.3(PLEC):c.13218_13219delinsTT (p.Pro4407Ser)

Gene: PLEC (plectin; minus strand). Cytogenetic location: 8q24.3.
Variant type: Indel.
Coding change: c.13218_13219delinsTT on transcript NM_201384.3 (MANE Select); coding-DNA positions 13218 to 13219, GC replaced by TT.
Protein change: p.Pro4407Ser; replaces proline 4407 with serine.
Molecular consequence: missense variant.
Genome position (GRCh38, 1-based): chr8:143,916,602-143,916,603, GC replaced by AA on the plus strand (GC replaced by TT on the coding strand, the reverse complement: PLEC is on the minus strand). VCF-style: chr8-143916602-GC-AA. GRCh37 (hg19) VCF-style: chr8-144990770-GC-AA.
Other names: c.13299_13300delinsTT, p.Pro4434Ser (NM_000445.5); c.13176_13177delinsTT, p.Pro4393Ser (NM_201378.4); c.13152_13153delinsTT, p.Pro4385Ser (NM_201379.3); c.13629_13630delinsTT, p.Pro4544Ser (NM_201380.4); c.13122_13123delinsTT, p.Pro4375Ser (NM_201381.3); c.13218_13219delinsTT, p.Pro4407Ser (NM_201382.4); c.13230_13231delinsTT, p.Pro4411Ser (NM_201383.3); short protein forms P4434S, P4385S, P4393S, P4375S, P4407S, P4411S, P4544S.
Identifiers: ClinVar variation 1470902 (VCV001470902.8), dbSNP rs2130801721, ClinGen allele CA2573142977.